The following is an entry in ClinVar:

NM_000135.4(FANCA):c.696G>T (p.Arg232Ser)

Gene: FANCA (FA complementation group A; minus strand). Cytogenetic location: 16q24.3.
Variant type: single nucleotide variant.
Coding change: c.696G>T on transcript NM_000135.4 (MANE Select); coding-DNA position 696, G replaced by T.
Protein change: p.Arg232Ser; replaces arginine 232 with serine.
Molecular consequence: missense variant.
Genome position (GRCh38, 1-based): chr16:89,805,293, C>A on the plus strand (G>T on the coding strand, the complement: FANCA is on the minus strand). VCF-style: chr16-89805293-C-A. GRCh37 (hg19) VCF-style: chr16-89871701-C-A.
Other names: c.696G>T, p.Arg232Ser (NM_001018112.3, NM_001286167.3); c.600G>T, p.Arg200Ser (NM_001351830.2); short protein forms R232S, R200S.
Identifiers: ClinVar variation 3848295 (VCV003848295.1).

ClinVar aggregate classification (germline): Uncertain significance (1 of 4 stars; one submission).

Conditions:
Inborn genetic diseases. Identifiers: MedGen C0950123, MeSH D030342.

Submission:

Ambry Genetics
Classification: Uncertain significance for Inborn genetic diseases. Last evaluated: 2025-03-08. Review status: criteria provided, single submitter. Criteria: Ambry Variant Classification Scheme 2023. Collection method: clinical testing. Allele origin: germline.
Comment: The p.R232S variant (also known as c.696G>T), located in coding exon 7 of the FANCA gene, results from a G to T substitution at nucleotide position 696. The arginine at codon 232 is replaced by serine, an amino acid with dissimilar properties. This amino acid position is conserved. In addition, this alteration is predicted to be tolerated by in silico analysis. Based on the available evidence, the clinical significance of this variant remains unclear.